The following is an entry in ClinVar:

NM_174889.5(NDUFAF2):c.465_467del (p.Pro156del)

Gene: NDUFAF2 (NADH:ubiquinone oxidoreductase complex assembly factor 2; plus strand). Cytogenetic location: 5q12.1.
Variant type: Deletion.
Coding change: c.465_467del on transcript NM_174889.5 (MANE Select); coding-DNA positions 465 to 467, 3 bases deleted (GCC; older notation c.465_467delGCC).
Protein change: p.Pro156del; deletes proline 156.
Molecular consequence: inframe deletion.
Genome position (GRCh38, 1-based): chr5:61,152,910-61,152,912, GCC deleted. VCF-style (leftmost placement, unchanged base first): chr5-61152909-AGCC-A. GRCh37 (hg19) VCF-style: chr5-60448736-AGCC-A.
Other names: short protein forms P156del.
Identifiers: ClinVar variation 504219 (VCV000504219.2), dbSNP rs1231742714, ClinGen allele CA658796528.

ClinVar aggregate classification (germline): Uncertain significance (1 of 4 stars; one submission).

Allele frequency attached by ClinVar (database versions not stated): gnomAD exomes below 0.00001; TOPMed below 0.00001; gnomAD 0.00001.

Submission:

GeneDx
Classification: Uncertain significance. Last evaluated: 2018-02-14. Review status: criteria provided, single submitter. Criteria: GeneDx Variant Classification (06012015). Collection method: clinical testing. Allele origin: germline. Affected: yes.
Comment: The c.465_467delGCC variant in the NDUFAF2 gene has not been reported previously as a pathogenic variant nor as a benign variant, to our knowledge. The c.465_467delGCC variant results in an in-frame, 3 base pair deletion, and is predicted to cause loss of a Proline residue at position 156 in the protein, denoted as p.Pro156del. The c.465_467delGCC variant is not observed in large population cohorts (Lek et al., 2016). We interpret c.465_467delGCC as a variant of uncertain significance.